The following is an entry in ClinVar:

ClinVar aggregate classification (germline): Uncertain significance (0 of 4 stars; one submission).

Conditions:
Orofacial cleft. Also called: Oral cleft; Orofacial clefting. Identifiers: MedGen C3266076, MONDO:0000358, HP:0000202.

Submission:

Craniofacial science Laboratory, School of Dental Sciences, universiti sains malaysia
Classification: Uncertain significance for orofacial cleft. Review status: no assertion criteria provided. Collection method: research. Allele origin: unknown. Affected: yes. Observed: 3 variant alleles.
Comment: In NSCL/P subjects, loss of peaks at 141 bp indicated loss one allele and are scored as loss of heterozygosity (LOH).

Literature cited by the submitters: PMC 5004837.

GRCh38/hg38 6p12.1-11.2(chr6:55755662-55874865)x2

Genes: BAG2 (BAG cochaperone 2; plus strand), BEND6 (BEN domain containing 6; plus strand), BMP5 (bone morphogenetic protein 5; minus strand), COL21A1 (collagen type XXI alpha 1 chain; minus strand), DST (dystonin; minus strand) and 85 more. Cytogenetic location: 6p12.1-11.2.
Variant type: copy number loss.
Change: copy number 2 of chr6:55,755,662-55,874,865 (119.2 kb, GRCh38 coordinates, 1-based), cytogenetic band 6p12.1-11.2.
Identifiers: ClinVar variation 1809510 (VCV001809510.3).